The following is an entry in ClinVar:

ClinVar aggregate classification (germline): Likely benign (0 of 4 stars; one submission).

Conditions:
IQSEC2-related disorder. Also called: IQSEC2-related condition.

Allele frequency attached by ClinVar (database versions not stated): gnomAD exomes below 0.00001.
gnomAD v4.1: 2 of 1,209,447 alleles (0.00017%); highest among the groups gnomAD compares: East Asian, 0.003%; no homozygotes.

Submission:

PreventionGenetics, part of Exact Sciences
Classification: Likely benign for IQSEC2-related condition. Last evaluated: 2023-05-18. Review status: no assertion criteria provided. Collection method: clinical testing. Allele origin: germline.
Comment: This variant is classified as likely benign based on ACMG/AMP sequence variant interpretation guidelines (Richards et al. 2015 PMID: 25741868, with internal and published modifications).

NM_001111125.3(IQSEC2):c.3222C>T (p.Ser1074=)

Gene: IQSEC2 (IQ motif and Sec7 domain ArfGEF 2; minus strand). Cytogenetic location: Xp11.22.
Variant type: single nucleotide variant.
Coding change: c.3222C>T on transcript NM_001111125.3 (MANE Select); coding-DNA position 3222, C replaced by T.
Protein change: p.Ser1074=; no amino-acid change (serine 1074 retained).
Molecular consequence: synonymous variant.
Genome position (GRCh38, 1-based): chrX:53,238,200, G>A on the plus strand (C>T on the coding strand, the complement: IQSEC2 is on the minus strand). VCF-style: chrX-53238200-G-A. GRCh37 (hg19) VCF-style: chrX-53267382-G-A.
Other names: c.3222C>T, p.Ser1074= (NM_001410736.1); c.2607C>T, p.Ser869= (NM_015075.2).
Identifiers: ClinVar variation 3046959 (VCV003046959.2), dbSNP rs2074165244, ClinGen allele CA516421004.